The following is an entry in ClinVar:

NM_000059.4(BRCA2):c.6T>C (p.Pro2=)

Gene: BRCA2 (BRCA2 DNA repair associated; plus strand). Cytogenetic location: 13q13.1.
Variant type: single nucleotide variant.
Coding change: c.6T>C on transcript NM_000059.4 (MANE Select); coding-DNA position 6, T replaced by C.
Protein change: p.Pro2=; no amino-acid change (proline 2 retained).
Molecular consequence: synonymous variant.
Genome position (GRCh38, 1-based): chr13:32,316,466, T>C. VCF-style: chr13-32316466-T-C. GRCh37 (hg19) VCF-style: chr13-32890603-T-C.
Identifiers: ClinVar variation 415659 (VCV000415659.22), dbSNP rs746566500, ClinGen allele CA6940304.

ClinVar aggregate classification (germline): Likely benign. Review status: criteria provided, multiple submitters, no conflicts (2 of 4 stars). 7 submissions from 7 submitters: Likely benign (7). Last evaluated 2026-07-15.

Conditions:
BRCA2-related disorder. Also called: BRCA2-related condition; BRCA2-related disorders. Identifiers: MedGen CN239275.
Breast and/or ovarian cancer. Identifiers: MedGen CN221562.
Hereditary cancer-predisposing syndrome. Also called: Hereditary Cancer Syndrome; Tumor predisposition; Hereditary neoplastic syndrome; Neoplastic Syndromes, Hereditary. Identifiers: Orphanet 140162, MedGen C0027672, MeSH D009386, MONDO:0015356.
Hereditary breast ovarian cancer syndrome. Also called: Hereditary breast and/or ovarian cancer syndrome; Breast and ovarian cancer; BRCA1- and BRCA2-Associated Hereditary Breast and Ovarian Cancer; Hereditary breast and ovarian cancer syndrome (HBOC); Hereditary breast and ovarian cancer syndrome; Hereditary breast and ovarian cancer. Identifiers: Orphanet 145, MedGen C0677776, MeSH D061325, MONDO:0003582. Disease mechanism: loss of function.

Allele frequency attached by ClinVar (database versions not stated): gnomAD exomes below 0.00001 and 0.00001; ExAC 0.00001; TOPMed 0.00002.
gnomAD v4.1: 2 of 1,613,884 alleles (0.00012%); highest among the groups gnomAD compares: East Asian, 0.0045%; no homozygotes.

Submissions (7):

PreventionGenetics, part of Exact Sciences
Classification: Likely benign for BRCA2-related condition. Last evaluated: 2026-07-15. Review status: criteria provided, single submitter. Criteria: ACMG Guidelines, 2015. Collection method: clinical testing. Allele origin: germline.
Comment: This variant is classified as likely benign based on ACMG/AMP sequence variant interpretation guidelines (Richards et al. 2015 PMID: 25741868, with internal and published modifications).

Labcorp Genetics (formerly Invitae), Labcorp
Classification: Likely benign for Hereditary breast ovarian cancer syndrome. Last evaluated: 2026-01-13. Review status: criteria provided, single submitter. Criteria: Invitae Variant Classification Sherloc (09022015). Collection method: clinical testing. Allele origin: germline.

Quest Diagnostics Nichols Institute San Juan Capistrano
Classification: Likely benign. Last evaluated: 2023-01-24. Review status: criteria provided, single submitter. Criteria: Quest Diagnostics criteria. Collection method: clinical testing. Allele origin: unknown.

CHEO Genetics Diagnostic Laboratory, Children's Hospital of Eastern Ontario
Classification: Likely benign for Breast and/or ovarian cancer. Last evaluated: 2022-05-10. Review status: criteria provided, single submitter. Criteria: ACMG Guidelines, 2015. Collection method: clinical testing. Allele origin: germline.

Sema4
Classification: Likely benign for Hereditary cancer-predisposing syndrome. Last evaluated: 2022-02-28. Review status: criteria provided, single submitter. Criteria: Sema4 Curation Guidelines. Collection method: curation. Allele origin: germline.

Color Diagnostics, LLC DBA Color Health
Classification: Likely benign for Hereditary cancer-predisposing syndrome. Last evaluated: 2017-12-06. Review status: criteria provided, single submitter. Criteria: ACMG Guidelines, 2015. Collection method: clinical testing. Allele origin: germline.

Ambry Genetics
Classification: Likely benign for Hereditary cancer-predisposing syndrome. Last evaluated: 2015-11-09. Review status: criteria provided, single submitter. Criteria: Ambry Variant Classification Scheme 2023. Collection method: clinical testing. Allele origin: germline.